The following is an entry in ClinVar:

ClinVar aggregate classification (germline): Uncertain significance. Review status: criteria provided, multiple submitters, no conflicts (2 of 4 stars). 2 submissions from 2 submitters: Uncertain significance (2). Last evaluated 2026-05-23.

Conditions:
Cardiovascular phenotype. Identifiers: MedGen CN230736.
Arrhythmogenic right ventricular dysplasia 11. Also called: Arrhythmogenic Right Ventricular Dysplasia/Cardiomyopathy11; ARRHYTHMOGENIC RIGHT VENTRICULAR DYSPLASIA, FAMILIAL, 11; Arrhythmogenic right ventricular dysplasia 11 with mild palmoplantar keratoderma and woolly hair. Identifiers: MedGen C1864850, MONDO:0012506, OMIM 610476.

Allele frequency attached by ClinVar (database versions not stated): TOPMed 0.00002.

Submissions (2):

Ambry Genetics
Classification: Uncertain significance for Cardiovascular phenotype. Last evaluated: 2026-05-23. Review status: criteria provided, single submitter. Criteria: Ambry Variant Classification Scheme 2023. Collection method: clinical testing. Allele origin: germline.
Comment: The p.P353L variant (also known as c.1058C>T), located in coding exon 8 of the DSC2 gene, results from a C to T substitution at nucleotide position 1058. The proline at codon 353 is replaced by leucine, an amino acid with similar properties. This amino acid position is conserved. In addition, this alteration is predicted to be deleterious by in silico analysis. Based on the available evidence, the clinical significance of this variant remains unclear.

Labcorp Genetics (formerly Invitae), Labcorp
Classification: Uncertain significance for Arrhythmogenic right ventricular dysplasia 11. Last evaluated: 2025-10-05. Review status: criteria provided, single submitter. Criteria: Invitae Variant Classification Sherloc (09022015). Collection method: clinical testing. Allele origin: germline.
Comment: This sequence change replaces proline, which is neutral and non-polar, with leucine, which is neutral and non-polar, at codon 353 of the DSC2 protein (p.Pro353Leu). This variant is not present in population databases (gnomAD no frequency). This variant has not been reported in the literature in individuals affected with DSC2-related conditions. ClinVar contains an entry for this variant (Variation ID: 945368). Invitae Evidence Modeling of protein sequence and biophysical properties (such as structural, functional, and spatial information, amino acid conservation, physicochemical variation, residue mobility, and thermodynamic stability) indicates that this missense variant is expected to disrupt DSC2 protein function with a positive predictive value of 80%. In summary, the available evidence is currently insufficient to determine the role of this variant in disease. Therefore, it has been classified as a Variant of Uncertain Significance.

NM_024422.6(DSC2):c.1058C>T (p.Pro353Leu)

Gene: DSC2 (desmocollin 2; minus strand). Cytogenetic location: 18q12.1.
Variant type: single nucleotide variant.
Coding change: c.1058C>T on transcript NM_024422.6 (MANE Select); coding-DNA position 1058, C replaced by T.
Protein change: p.Pro353Leu; replaces proline 353 with leucine.
Molecular consequence: missense variant.
Genome position (GRCh38, 1-based): chr18:31,082,945, G>A on the plus strand (C>T on the coding strand, the complement: DSC2 is on the minus strand). VCF-style: chr18-31082945-G-A. GRCh37 (hg19) VCF-style: chr18-28662911-G-A.
Other names: c.1058C>T, p.Pro353Leu (NM_004949.5); c.1058C>T (NM_024422.3); short protein forms P353L.
Identifiers: ClinVar variation 945368 (VCV000945368.10), dbSNP rs1208688367, ClinGen allele CA402110386.